The following is an entry in ClinVar:

ClinVar aggregate classification (germline): Benign/Likely benign. Review status: criteria provided, multiple submitters, no conflicts (2 of 4 stars). 5 submissions from 5 submitters: Benign (1); Likely benign (4). Last evaluated 2025-07-06.

Conditions:
Familial cancer of breast. Also called: hereditary breast carcinoma; BREAST CANCER, FAMILIAL; Hereditary breast cancer. Identifiers: Orphanet 227535, MedGen C0346153, MONDO:0016419, OMIM 114480. Disease mechanism: loss of function.
Hereditary cancer-predisposing syndrome. Also called: Neoplastic Syndromes, Hereditary; Hereditary Cancer Syndrome; Tumor predisposition; Hereditary neoplastic syndrome. Identifiers: Orphanet 140162, MedGen C0027672, MeSH D009386, MONDO:0015356.

Allele frequency attached by ClinVar (database versions not stated): gnomAD 0.00001.
gnomAD v4.1: 1 of 1,614,082 alleles (0.000062%); highest among the groups gnomAD compares: African/African-American, 0.0013%; no homozygotes.

Submissions (5):

Ambry Genetics
Classification: Likely benign for Hereditary cancer-predisposing syndrome. Last evaluated: 2025-07-06. Review status: criteria provided, single submitter. Criteria: Ambry Variant Classification Scheme 2023. Collection method: clinical testing. Allele origin: germline.

Labcorp Genetics (formerly Invitae), Labcorp
Classification: Likely benign for Familial cancer of breast. Last evaluated: 2025-03-12. Review status: criteria provided, single submitter. Criteria: Invitae Variant Classification Sherloc (09022015). Collection method: clinical testing. Allele origin: germline.

Myriad Genetics, Inc.
Classification: Benign for Familial cancer of breast. Last evaluated: 2025-01-21. Review status: criteria provided, single submitter. Criteria: Myriad Autosomal Dominant, Autosomal Recessive and X-Linked Classification Criteria (2023). Collection method: clinical testing. Allele origin: unknown.
Comment: This variant is considered benign. This variant is a silent/synonymous amino acid change and it is not expected to impact splicing.

Sema4
Classification: Likely benign for Hereditary cancer-predisposing syndrome. Last evaluated: 2021-09-03. Review status: criteria provided, single submitter. Criteria: Sema4 Curation Guidelines. Collection method: curation. Allele origin: germline.

Women's Health and Genetics/Laboratory Corporation of America, LabCorp
Classification: Likely benign. Last evaluated: 2020-09-04. Review status: criteria provided, single submitter. Criteria: LabCorp Variant Classification Summary - May 2015. Collection method: clinical testing. Allele origin: germline.
Comment: Variant summary: PALB2 c.2967A>G alters a non-conserved nucleotide resulting in a synonymous change. 4/4 computational tools predict no significant impact on normal splicing. However, these predictions have yet to be confirmed by functional studies. The variant was absent in 251468 control chromosomes. The available data on variant occurrences in the general population are insufficient to allow any conclusion about variant significance. To our knowledge, no occurrence of c.2967A>G in individuals affected with Breast Cancer and no experimental evidence demonstrating its impact on protein function have been reported. No clinical diagnostic laboratories have submitted clinical-significance assessments for this variant to ClinVar after 2014. Based on the evidence outlined above, the variant was classified as likely benign.

NM_024675.4(PALB2):c.2967A>G (p.Val989=)

Gene: PALB2 (partner and localizer of BRCA2; minus strand). Cytogenetic location: 16p12.2.
Variant type: single nucleotide variant.
Coding change: c.2967A>G on transcript NM_024675.4 (MANE Select); coding-DNA position 2967, A replaced by G.
Protein change: p.Val989=; no amino-acid change (valine 989 retained).
Molecular consequence: synonymous variant.
Genome position (GRCh38, 1-based): chr16:23,622,998, T>C on the plus strand (A>G on the coding strand, the complement: PALB2 is on the minus strand). VCF-style: chr16-23622998-T-C. GRCh37 (hg19) VCF-style: chr16-23634319-T-C.
Identifiers: ClinVar variation 981106 (VCV000981106.5), dbSNP rs1966799199, ClinGen allele CA494180386.